The following is an entry in ClinVar:

ClinVar aggregate classification (germline): Conflicting classifications of pathogenicity. Review status: criteria provided, conflicting classifications (1 of 4 stars). 3 submissions from 3 submitters: Uncertain significance (2); Likely benign (1). Last evaluated 2026-08-17.

Conditions:
Familial hypercholesterolemia. Also called: Familial hypercholesterolemias; Familial hypercholesterolaemia. Identifiers: MedGen C0020445, MONDO:0005439.
Hypercholesterolemia, autosomal dominant, type B (FHCL2). Also called: HYPERCHOLESTEROLEMIA, FAMILIAL, DUE TO LIGAND-DEFECTIVE APOLIPOPROTEIN B; APOB-Related Familial Hypercholesterolemia, Autosomal Dominant; Familial Hypercholesterolemia Type B; Familial hypercholesterolemia 2; APOLIPOPROTEIN B-100, FAMILIAL DEFECTIVE; APOLIPOPROTEIN B-100, FAMILIAL LIGAND-DEFECTIVE. Identifiers: MedGen C1704417, MONDO:0007751, OMIM 144010.
Familial hypobetalipoproteinemia 1. Also called: Hypobetalipoproteinemia, normotriglyceridemic; Acanthocytosis with hypobetalipoproteinemia; APOB-Related Familial Hypobetalipoproteinemia. Identifiers: MedGen C4551990, MONDO:0014252, OMIM 615558.
Cardiovascular phenotype. Identifiers: MedGen CN230736.

Allele frequency attached by ClinVar (database versions not stated): ExAC 0.00002; gnomAD 0.00002 and 0.00003; gnomAD exomes 0.00004 and 0.00011; TOPMed 0.00004; ESP Exome Variant Server 0.00015.
gnomAD v4.1: 163 of 1,614,068 alleles (0.01%); highest among the groups gnomAD compares: Non-Finnish European, 0.013%; no homozygotes.

Submissions (3):

Cambridge Genomics Laboratory, East Genomic Laboratory Hub, NHS Genomic Medicine Service
Classification: Uncertain significance for Familial hypercholesterolaemia. Last evaluated: 2026-08-17. Review status: criteria provided, single submitter. Criteria: ACGS Best Practice Guidelines for Variant Classification in Rare Disease 2020. Collection method: clinical testing. Allele origin: germline. Affected: yes.
Comment: PM2_Supporting,PP4

Labcorp Genetics (formerly Invitae), Labcorp
Classification: Likely benign for Familial hypobetalipoproteinemia 1; Hypercholesterolemia, autosomal dominant, type B. Last evaluated: 2025-09-27. Review status: criteria provided, single submitter. Criteria: Invitae Variant Classification Sherloc (09022015). Collection method: clinical testing. Allele origin: germline.

Ambry Genetics
Classification: Uncertain significance for Cardiovascular phenotype. Last evaluated: 2024-09-20. Review status: criteria provided, single submitter. Criteria: Ambry Variant Classification Scheme 2023. Collection method: clinical testing. Allele origin: germline.
Comment: The p.E865K variant (also known as c.2593G>A), located in coding exon 17 of the APOB gene, results from a G to A substitution at nucleotide position 2593. The glutamic acid at codon 865 is replaced by lysine, an amino acid with similar properties. This amino acid position is conserved. In addition, this alteration is predicted to be tolerated by in silico analysis. Since supporting evidence is limited at this time, the clinical significance of this alteration remains unclear.

NM_000384.3(APOB):c.2593G>A (p.Glu865Lys)

Gene: APOB (apolipoprotein B; minus strand). Cytogenetic location: 2p24.1.
Variant type: single nucleotide variant.
Coding change: c.2593G>A on transcript NM_000384.3 (MANE Select); coding-DNA position 2593, G replaced by A.
Protein change: p.Glu865Lys; replaces glutamic acid 865 with lysine.
Molecular consequence: missense variant.
Genome position (GRCh38, 1-based): chr2:21,023,536, C>T on the plus strand (G>A on the coding strand, the complement: APOB is on the minus strand). VCF-style: chr2-21023536-C-T. GRCh37 (hg19) VCF-style: chr2-21246408-C-T.
Other names: short protein forms E865K.
Identifiers: ClinVar variation 630335 (VCV000630335.11), dbSNP rs150005693, ClinGen allele CA056705.